The following is an entry in ClinVar:

NM_206933.4(USH2A):c.4396+21A>G

Gene: USH2A (usherin; minus strand). Cytogenetic location: 1q41.
Variant type: single nucleotide variant.
Coding change: c.4396+21A>G on transcript NM_206933.4 (MANE Select); 21 bases into the intron after coding-DNA position 4396, A replaced by G.
Molecular consequence: intron variant.
Genome position (GRCh38, 1-based): chr1:216,190,202, T>C on the plus strand (A>G on the coding strand, the complement: USH2A is on the minus strand). VCF-style: chr1-216190202-T-C. GRCh37 (hg19) VCF-style: chr1-216363544-T-C.
Other names: c.4396+21A>G (NM_007123.6).
Identifiers: ClinVar variation 4984896 (VCV004984896.1).

ClinVar aggregate classification (germline): Likely benign (1 of 4 stars; one submission).

Conditions:
USH2A-related disorder. Also called: USH2A-related condition; USH2A-related disorders. Identifiers: MedGen CN239332.

gnomAD v4.1: 118 of 1,611,590 alleles (0.0073%); highest among the groups gnomAD compares: Admixed American, 0.094%; 2 homozygotes.

Submission:

PreventionGenetics, part of Exact Sciences
Classification: Likely benign for USH2A-related condition. Last evaluated: 2025-02-09. Review status: criteria provided, single submitter. Criteria: ACMG Guidelines, 2015. Collection method: clinical testing. Allele origin: germline.
Comment: This variant is classified as likely benign based on ACMG/AMP sequence variant interpretation guidelines (Richards et al. 2015 PMID: 25741868, with internal and published modifications).